The following is an entry in ClinVar:

NM_001244008.2(KIF1A):c.-45T>C

Gene: KIF1A (kinesin family member 1A; minus strand). Cytogenetic location: 2q37.3.
Variant type: single nucleotide variant.
Coding change: c.-45T>C on transcript NM_001244008.2 (MANE Select); 45 bases upstream of the start codon, T replaced by C.
Molecular consequence: 5 prime UTR variant.
Genome position (GRCh38, 1-based): chr2:240,797,797, A>G on the plus strand (T>C on the coding strand, the complement: KIF1A is on the minus strand). VCF-style: chr2-240797797-A-G. GRCh37 (hg19) VCF-style: chr2-241737214-A-G.
Other names: c.-45T>C (NM_001320705.2, NM_001330289.2, NM_001330290.2 and 20 more transcripts).
Identifiers: ClinVar variation 517758 (VCV000517758.1), dbSNP rs1553640536, ClinGen allele CA658796215.
Genomic context (GRCh38, chr2:240,797,797, plus strand): 5'-CCGAAGCCCCGGCCATCTCTGTGGCCTTCGTGGGTCACTCCTCGCAGTAGTGGGAGCCCC[A>G]GTGTGGGGGGAACACCTTGGAAAAAAGGGAAACATGAATTAGAAACAATATCTGAGGAGG-3'

ClinVar aggregate classification (germline): Likely benign (1 of 4 stars; one submission).

Submission:

GeneDx
Classification: Likely benign. Last evaluated: 2017-02-21. Review status: criteria provided, single submitter. Criteria: GeneDx Variant Classification (06012015). Collection method: clinical testing. Allele origin: germline. Affected: yes.
Comment: This variant is considered likely benign or benign based on one or more of the following criteria: it is a conservative change, it occurs at a poorly conserved position in the protein, it is predicted to be benign by multiple in silico algorithms, and/or has population frequency not consistent with disease.